The following is an entry in ClinVar:

NM_001270508.2(TNFAIP3):c.1501G>A (p.Ala501Thr)

Gene: TNFAIP3 (TNF alpha induced protein 3; plus strand). Cytogenetic location: 6q23.3.
Variant type: single nucleotide variant.
Coding change: c.1501G>A on transcript NM_001270508.2 (MANE Select); coding-DNA position 1501, G replaced by A.
Protein change: p.Ala501Thr; replaces alanine 501 with threonine.
Molecular consequence: missense variant.
Genome position (GRCh38, 1-based): chr6:137,878,946, G>A. VCF-style: chr6-137878946-G-A. GRCh37 (hg19) VCF-style: chr6-138200083-G-A.
Other names: c.1501G>A, p.Ala501Thr (NM_001270507.2, NM_006290.4); short protein forms A501T.
Identifiers: ClinVar variation 3010764 (VCV003010764.3), dbSNP rs141614391, ClinGen allele CA4019653.

ClinVar aggregate classification (germline): Uncertain significance (1 of 4 stars; one submission).

Allele frequency attached by ClinVar (database versions not stated): ExAC 0.00001; gnomAD 0.00001; TOPMed 0.00001; ESP Exome Variant Server 0.00008.
gnomAD v4.1: 5 of 1,614,036 alleles (0.00031%); highest among the groups gnomAD compares: African/African-American, 0.0027%; no homozygotes.

Submission:

Labcorp Genetics (formerly Invitae), Labcorp
Classification: Uncertain significance. Last evaluated: 2025-10-09. Review status: criteria provided, single submitter. Criteria: Invitae Variant Classification Sherloc (09022015). Collection method: clinical testing. Allele origin: germline.
Comment: This sequence change replaces alanine, which is neutral and non-polar, with threonine, which is neutral and polar, at codon 501 of the TNFAIP3 protein (p.Ala501Thr). This variant is present in population databases (rs141614391, gnomAD 0.02%). This variant has not been reported in the literature in individuals affected with TNFAIP3-related conditions. ClinVar contains an entry for this variant (Variation ID: 3010764). Invitae Evidence Modeling of protein sequence and biophysical properties (such as structural, functional, and spatial information, amino acid conservation, physicochemical variation, residue mobility, and thermodynamic stability) indicates that this missense variant is not expected to disrupt TNFAIP3 protein function with a negative predictive value of 80%. In summary, the available evidence is currently insufficient to determine the role of this variant in disease. Therefore, it has been classified as a Variant of Uncertain Significance.